The following is an entry in ClinVar:

NM_015378.4(VPS13D):c.11392_11400del (p.Lys3798_Ser3800del)

Gene: VPS13D (vacuolar protein sorting 13 homolog D; plus strand). Cytogenetic location: 1p36.22.
Variant type: Deletion.
Coding change: c.11392_11400del on transcript NM_015378.4 (MANE Select); coding-DNA positions 11392 to 11400, 9 bases deleted (AAAAGCAGC; older notation c.11392_11400delAAAAGCAGC).
Protein change: p.Lys3798_Ser3800del.
Molecular consequence: inframe deletion.
Genome position (GRCh38, 1-based): chr1:12,385,281-12,385,289, AAAAGCAGC deleted. VCF-style (leftmost placement, unchanged base first): chr1-12385280-GAAAAGCAGC-G. GRCh37 (hg19) VCF-style: chr1-12445339-GAAAAGCAGC-G.
Other names: c.11317_11325del, p.Lys3773_Ser3775del (NM_018156.4).
Identifiers: ClinVar variation 1947964 (VCV001947964.5), dbSNP rs2524509024, ClinGen allele CA2580060567.

ClinVar aggregate classification (germline): Uncertain significance (1 of 4 stars; one submission).

Submission:

Labcorp Genetics (formerly Invitae), Labcorp
Classification: Uncertain significance. Last evaluated: 2022-05-07. Review status: criteria provided, single submitter. Criteria: Invitae Variant Classification Sherloc (09022015). Collection method: clinical testing. Allele origin: germline.
Comment: This variant, c.11392_11400del, results in the deletion of 3 amino acid(s) of the VPS13D protein (p.Lys3798_Ser3800del), but otherwise preserves the integrity of the reading frame. This variant is not present in population databases (gnomAD no frequency). This variant has not been reported in the literature in individuals affected with VPS13D-related conditions. Experimental studies and prediction algorithms are not available or were not evaluated, and the functional significance of this variant is currently unknown. In summary, the available evidence is currently insufficient to determine the role of this variant in disease. Therefore, it has been classified as a Variant of Uncertain Significance.